The following is an entry in ClinVar:

GRCh37/hg19 11q23.3-25(chr11:120576984-134934063)x1

Genes: ACAD8 (acyl-CoA dehydrogenase family member 8; plus strand), ACRV1 (acrosomal vesicle protein 1; minus strand), ADAMTS15 (ADAM metallopeptidase with thrombospondin type 1 motif 15; plus strand), ADAMTS8 (ADAM metallopeptidase with thrombospondin type 1 motif 8; minus strand), APLP2 (amyloid beta precursor like protein 2; plus strand) and 105 more. Cytogenetic location: 11q23.3-25.
Variant type: copy number loss.
Change: copy number 1 (one copy instead of two) of chr11:120,576,984-134,934,063 (14.36 Mb, GRCh37 coordinates, 1-based), cytogenetic band 11q23.3-25.
Identifiers: ClinVar variation 638099 (VCV000638099.2).

ClinVar aggregate classification (germline): Pathogenic (1 of 4 stars; one submission).

Submission:

Clinical Genomics Laboratory, Laboratory for Precision Diagnostics, University of Washington
Classification: Pathogenic. Last evaluated: 2018-07-12. Review status: criteria provided, single submitter. Criteria: Clinical Cytogenomics Laboratory Policy on CNV Interpretation. Collection method: clinical testing. Allele origin: unknown. Affected: yes. Observed: 1 variant allele.

Literature cited by the submitters: PubMed 18855024; PubMed 15266616; PubMed 7887422; PubMed 9927483.